The following is an entry in ClinVar:

NM_000256.3(MYBPC3):c.3286G>A (p.Glu1096Lys)

Gene: MYBPC3 (myosin binding protein C3; minus strand). Cytogenetic location: 11p11.2.
Variant type: single nucleotide variant.
Coding change: c.3286G>A on transcript NM_000256.3 (MANE Select); coding-DNA position 3286, G replaced by A.
Protein change: p.Glu1096Lys; replaces glutamic acid 1096 with lysine.
Molecular consequence: missense variant.
Genome position (GRCh38, 1-based): chr11:47,333,238, C>T on the plus strand (G>A on the coding strand, the complement: MYBPC3 is on the minus strand). VCF-style: chr11-47333238-C-T. GRCh37 (hg19) VCF-style: chr11-47354789-C-T.
Other names: short protein forms E1096K.
Identifiers: ClinVar variation 853079 (VCV000853079.7), dbSNP rs121909377, ClinGen allele CA079267.

ClinVar aggregate classification (germline): Uncertain significance (1 of 4 stars; one submission).

Conditions:
Hypertrophic cardiomyopathy. Also called: HYPERTROPHIC MYOCARDIOPATHY. Identifiers: Orphanet 217569, MedGen C0007194, MeSH D002312, MONDO:0005045, HP:0001639.

Allele frequency attached by ClinVar (database versions not stated): ExAC 0.00004.
gnomAD v4.1: 3 of 1,588,758 alleles (0.00019%); highest among the groups gnomAD compares: Admixed American, 0.0035%; no homozygotes.

Submission:

Labcorp Genetics (formerly Invitae), Labcorp
Classification: Uncertain significance for Hypertrophic cardiomyopathy. Last evaluated: 2020-11-25. Review status: criteria provided, single submitter. Criteria: Invitae Variant Classification Sherloc (09022015). Collection method: clinical testing. Allele origin: germline.
Comment: This sequence change replaces glutamic acid with lysine at codon 1096 of the MYBPC3 protein (p.Glu1096Lys). The glutamic acid residue is highly conserved and there is a small physicochemical difference between glutamic acid and lysine. In summary, the available evidence is currently insufficient to determine the role of this variant in disease. Therefore, it has been classified as a Variant of Uncertain Significance. Algorithms developed to predict the effect of missense changes on protein structure and function are either unavailable or do not agree on the potential impact of this missense change (SIFT: "Deleterious"; PolyPhen-2: "Possibly Damaging"; Align-GVGD: "Class C0"). This variant has been observed in an individual affected with HCM (PMID:¬†22429680). This variant is present in population databases (rs121909377, ExAC 0.03%).